The following is an entry in ClinVar:

ClinVar aggregate classification (germline): Uncertain significance (1 of 4 stars; one submission).

Conditions:
Majeed syndrome (MJDS). Also called: LPIN2-Related Majeed Syndrome; CHRONIC RECURRENT MULTIFOCAL OSTEOMYELITIS 1, WITH CONGENITAL DYSERYTHROPOIETIC ANEMIA, WITH OR WITHOUT NEUTROPHILIC DERMATOSIS. Identifiers: Orphanet 77297, MedGen C1864997, MONDO:0012316, OMIM 609628.

Submission:

Labcorp Genetics (formerly Invitae), Labcorp
Classification: Uncertain significance for Majeed syndrome. Last evaluated: 2022-07-21. Review status: criteria provided, single submitter. Criteria: Invitae Variant Classification Sherloc (09022015). Collection method: clinical testing. Allele origin: germline.
Comment: In summary, the available evidence is currently insufficient to determine the role of this variant in disease. Therefore, it has been classified as a Variant of Uncertain Significance. Algorithms developed to predict the effect of missense changes on protein structure and function (SIFT, PolyPhen-2, Align-GVGD) all suggest that this variant is likely to be disruptive. This variant has not been reported in the literature in individuals affected with LPIN2-related conditions. This variant is not present in population databases (gnomAD no frequency). This sequence change replaces isoleucine, which is neutral and non-polar, with threonine, which is neutral and polar, at codon 687 of the LPIN2 protein (p.Ile687Thr).

NM_001375808.2(LPIN2):c.2060T>C (p.Ile687Thr)

Gene: LPIN2 (lipin 2; minus strand). Cytogenetic location: 18p11.31.
Variant type: single nucleotide variant.
Coding change: c.2060T>C on transcript NM_001375808.2 (MANE Select); coding-DNA position 2060, T replaced by C.
Protein change: p.Ile687Thr; replaces isoleucine 687 with threonine.
Molecular consequence: missense variant.
Genome position (GRCh38, 1-based): chr18:2,924,425, A>G on the plus strand (T>C on the coding strand, the complement: LPIN2 is on the minus strand). VCF-style: chr18-2924425-A-G. GRCh37 (hg19) VCF-style: chr18-2924423-A-G.
Other names: c.2060T>C, p.Ile687Thr (NM_001375809.1, NM_014646.2); short protein forms I687T.
Identifiers: ClinVar variation 1721660 (VCV001721660.6), dbSNP rs2510244915, ClinGen allele CA401700422.